The following is an entry in ClinVar:

ClinVar aggregate classification (germline): Uncertain significance (1 of 4 stars; one submission).

Conditions:
Ullrich congenital muscular dystrophy 2 (UCMD2). Identifiers: Orphanet 75840, MedGen C4225314, MONDO:0014654, OMIM 616470.
Bethlem myopathy 2 (BTHLM2). Identifiers: Orphanet 536516, Orphanet 610, MedGen C4225313, MONDO:0034022, OMIM 616471.

Submission:

Labcorp Genetics (formerly Invitae), Labcorp
Classification: Uncertain significance for Bethlem myopathy 2; Ullrich congenital muscular dystrophy 2. Last evaluated: 2023-03-30. Review status: criteria provided, single submitter. Criteria: Invitae Variant Classification Sherloc (09022015). Collection method: clinical testing. Allele origin: germline.
Comment: An algorithm developed to predict the effect of missense changes on protein structure and function (PolyPhen-2) suggests that this variant is likely to be tolerated. This variant has not been reported in the literature in individuals affected with COL12A1-related conditions. This variant is not present in population databases (gnomAD no frequency). This sequence change replaces glutamine, which is neutral and polar, with proline, which is neutral and non-polar, at codon 2935 of the COL12A1 protein (p.Gln2935Pro). In summary, the available evidence is currently insufficient to determine the role of this variant in disease. Therefore, it has been classified as a Variant of Uncertain Significance.

NM_004370.6(COL12A1):c.8804A>C (p.Gln2935Pro)

Gene: COL12A1 (collagen type XII alpha 1 chain; minus strand). Cytogenetic location: 6q13.
Variant type: single nucleotide variant.
Coding change: c.8804A>C on transcript NM_004370.6 (MANE Select); coding-DNA position 8804, A replaced by C.
Protein change: p.Gln2935Pro; replaces glutamine 2935 with proline.
Molecular consequence: missense variant.
Genome position (GRCh38, 1-based): chr6:75,090,247, T>G on the plus strand (A>C on the coding strand, the complement: COL12A1 is on the minus strand). VCF-style: chr6-75090247-T-G. GRCh37 (hg19) VCF-style: chr6-75799963-T-G.
Other names: c.8804A>C, p.Gln2935Pro (NM_001424113.1); c.8783A>C, p.Gln2928Pro (NM_001424114.1); c.8531A>C, p.Gln2844Pro (NM_001424115.1); c.5312A>C, p.Gln1771Pro (NM_001424116.1, NM_080645.3); short protein forms Q1771P, Q2935P, Q2844P, Q2928P.
Identifiers: ClinVar variation 2945988 (VCV002945988.3), dbSNP rs2533032010, ClinGen allele CA364735200.